The following is an entry in ClinVar:

ClinVar aggregate classification (germline): Uncertain significance (1 of 4 stars; one submission).

Conditions:
Inflammatory bowel disease 25. Also called: Inflammatory bowel disease 25, early onset, autosomal recessive. Identifiers: Orphanet 238569, MedGen C2675508, MONDO:0012941, OMIM 612567.

Submission:

Labcorp Genetics (formerly Invitae), Labcorp
Classification: Uncertain significance for Inflammatory bowel disease 25. Last evaluated: 2018-08-26. Review status: criteria provided, single submitter. Criteria: Invitae Variant Classification Sherloc (09022015). Collection method: clinical testing. Allele origin: germline.
Comment: In summary, the available evidence is currently insufficient to determine the role of this variant in disease. Therefore, it has been classified as a Variant of Uncertain Significance. Algorithms developed to predict the effect of missense changes on protein structure and function (SIFT, PolyPhen-2, Align-GVGD) all suggest that this variant is likely to be tolerated, but these predictions have not been confirmed by published functional studies and their clinical significance is uncertain. This variant has not been reported in the literature in individuals with IL10RB-related disease. This variant is not present in population databases (ExAC no frequency). This sequence change replaces threonine with serine at codon 317 of the IL10RB protein (p.Thr317Ser). The threonine residue is weakly conserved and there is a small physicochemical difference between threonine and serine.

NM_000628.5(IL10RB):c.949A>T (p.Thr317Ser)

Genes: IFNAR2-IL10RB (IFNAR2-IL10RB readthrough; plus strand), IL10RB (interleukin 10 receptor subunit beta; plus strand). Cytogenetic location: 21q22.11.
Variant type: single nucleotide variant.
Coding change: c.949A>T on transcript NM_000628.5 (MANE Select); coding-DNA position 949, A replaced by T.
Protein change: p.Thr317Ser; replaces threonine 317 with serine.
Molecular consequence: missense variant.
Genome position (GRCh38, 1-based): chr21:33,296,328, A>T. VCF-style: chr21-33296328-A-T. GRCh37 (hg19) VCF-style: chr21-34668633-A-T.
Other names: short protein forms T317S.
Identifiers: ClinVar variation 639329 (VCV000639329.9), dbSNP rs1601839637, ClinGen allele CA410097108.